The following is an entry in ClinVar:

ClinVar aggregate classification (germline): Uncertain significance (1 of 4 stars; one submission).

Submission:

Ambry Genetics
Classification: Uncertain significance. Last evaluated: 2025-03-14. Review status: criteria provided, single submitter. Criteria: Ambry Variant Classification Scheme 2023. Collection method: clinical testing. Allele origin: germline.
Comment: The p.L11M variant (also known as c.31C>A), located in coding exon 1 of the MC1R gene, results from a C to A substitution at nucleotide position 31. The leucine at codon 11 is replaced by methionine, an amino acid with highly similar properties. This amino acid position is conserved. In addition, this alteration is predicted to be tolerated by in silico analysis. Based on the available evidence, the clinical significance of this variant remains unclear.

NM_002386.4(MC1R):c.31C>A (p.Leu11Met)

Gene: MC1R (melanocortin 1 receptor; plus strand). Cytogenetic location: 16q24.3.
Variant type: single nucleotide variant.
Coding change: c.31C>A on transcript NM_002386.4 (MANE Select); coding-DNA position 31, C replaced by A.
Protein change: p.Leu11Met; replaces leucine 11 with methionine.
Molecular consequence: missense variant.
Genome position (GRCh38, 1-based): chr16:89,919,289, C>A. VCF-style: chr16-89919289-C-A. GRCh37 (hg19) VCF-style: chr16-89985697-C-A.
Other names: short protein forms L11M.
Identifiers: ClinVar variation 3871144 (VCV003871144.1).